The following is an entry in ClinVar:

ClinVar aggregate classification (germline): Uncertain significance (1 of 4 stars; one submission).

Submission:

Labcorp Genetics (formerly Invitae), Labcorp
Classification: Uncertain significance. Last evaluated: 2021-11-08. Review status: criteria provided, single submitter. Criteria: Invitae Variant Classification Sherloc (09022015). Collection method: clinical testing. Allele origin: germline.
Comment: This variant has not been reported in the literature in individuals affected with CLCN6-related conditions. This variant is not present in population databases (gnomAD no frequency). This variant, c.1783_1784insCGGTGG, results in the insertion of 2 amino acid(s) of the CLCN6 protein (p.Val594_Glu595insAlaVal), but otherwise preserves the integrity of the reading frame. In summary, the available evidence is currently insufficient to determine the role of this variant in disease. Therefore, it has been classified as a Variant of Uncertain Significance.

NM_001286.5(CLCN6):c.1783_1784insCGGTGG (p.Val594_Glu595insAlaVal)

Gene: CLCN6 (chloride voltage-gated channel 6; plus strand). Cytogenetic location: 1p36.22.
Variant type: Insertion.
Coding change: c.1783_1784insCGGTGG on transcript NM_001286.5 (MANE Select); coding-DNA positions 1783 to 1784, CGGTGG inserted.
Protein change: p.Val594_Glu595insAlaVal.
Molecular consequence: inframe insertion. On other transcripts: non-coding transcript variant (1).
Genome position: GRCh38 VCF-style: chr1-11834575-A-AGGTGGC. GRCh37 (hg19) VCF-style: chr1-11894632-A-AGGTGGC.
Other names: c.1717_1718insCGGTGG, p.Val572_Glu573insAlaVal (NM_001256959.2).
Identifiers: ClinVar variation 1486240 (VCV001486240.6), dbSNP rs2100654187, ClinGen allele CA2573130742.
Genomic context (GRCh38, chr1:11,834,575, plus strand): 5'-AGGGCATTTATGATATCCACGTGGGCCTGCGAGGCGTGCCGCTTCTGGAATGGGAGACAG[A>AGGTGGC]GGTGGAAATGGACAAGTAAGGCCATGATTTTGCTCATGTCCTAGTTTCAGAATGTATAAG-3'